The following is an entry in ClinVar:

NC_000002.11:g.(?_47177482)_(47301062_?)del

Gene: TTC7A (tetratricopeptide repeat domain 7A; plus strand). Cytogenetic location: 2p21.
Variant type: Deletion.
Identifiers: ClinVar variation 1073085 (VCV001073085.3).

ClinVar aggregate classification (germline): Pathogenic (1 of 4 stars; one submission).

Conditions:
Multiple gastrointestinal atresias. Also called: FAMILIAL INTESTINAL POLYATRESIA SYNDROME; Multiple intestinal atresia. Identifiers: Orphanet 2300, MedGen C0220744, MONDO:0009465.

Submission:

Labcorp Genetics (formerly Invitae), Labcorp
Classification: Pathogenic for Multiple gastrointestinal atresias. Last evaluated: 2022-07-19. Review status: criteria provided, single submitter. Criteria: Invitae Variant Classification Sherloc (09022015). Collection method: clinical testing. Allele origin: germline.
Comment: For these reasons, this variant has been classified as Pathogenic. This variant disrupts a region of the TTC7A protein in which other variant(s) (Deletion (Exons 2-3)) have been determined to be pathogenic (PMID: 24292712). This suggests that this is a clinically significant region of the protein, and that variants that disrupt it are likely to be disease-causing. This variant has not been reported in the literature in individuals affected with TTC7A-related conditions. This variant is a gross deletion of the genomic region encompassing exon(s) 2-20 of the TTC7A gene, which includes the termination codon. This deletion extends beyond the assayed region for this gene and therefore may encompass additional genes. While this deletion is not anticipated to lead to nonsense mediated decay, it is expected to alter mRNA translation or result in a truncated protein product.

Literature cited by the submitters: PubMed 24292712.